The following is an entry in ClinVar:

ClinVar aggregate classification (germline): Likely benign. Review status: criteria provided, single submitter (1 of 4 stars). 3 submissions from 1 submitter: Likely benign (3). Last evaluated 2018-01-13.

Conditions:
Rabson-Mendenhall syndrome. Also called: MENDENHALL SYNDROME; Pineal Hyperplasia, Insulin-Resistant Diabetes Mellitus, and Somatic Abnormalities; Pineal hyperplasia AND diabetes mellitus syndrome. Identifiers: Orphanet 769, MedGen C0271695, MONDO:0009874, OMIM 262190.
Leprechaunism syndrome. Also called: Donohue syndrome; LEPRECHAUNISM. Identifiers: Orphanet 508, MedGen C0265344, MONDO:0009517, OMIM 246200.
Insulin-resistant diabetes mellitus AND acanthosis nigricans. Also called: Insulin-resistance syndrome type A; INSULIN RECEPTOR, DEFECT IN, WITH INSULIN-RESISTANT DIABETES MELLITUS AND ACANTHOSIS NIGRICANS; IRAN, TYPE A; type A insulin resistance; DIABETES MELLITUS, INSULIN-RESISTANT, WITH ACANTHOSIS NIGRICANS, TYPE A. Identifiers: Orphanet 2297, MedGen C0342278, MONDO:0012520, OMIM 610549.

Allele frequency attached by ClinVar (database versions not stated): 1000 Genomes Project 30x 0.00047; 1000 Genomes Project 0.00100; gnomAD 0.00208 and 0.00225; TOPMed 0.00216.

Submissions (3):

Illumina Laboratory Services, Illumina
Classification: Likely benign for Insulin-resistant diabetes mellitus AND acanthosis nigricans. Last evaluated: 2018-01-13. Review status: criteria provided, single submitter. Criteria: ICSL Variant Classification Criteria 13 December 2019. Collection method: clinical testing. Allele origin: germline.
Comment: This variant was observed in the ICSL laboratory as part of a predisposition screen in an ostensibly healthy population. It had not been previously curated by ICSL or reported in the Human Gene Mutation Database (HGMD: prior to June 1st, 2018), and was therefore a candidate for classification through an automated scoring system. Utilizing variant allele frequency, disease prevalence and penetrance estimates, and inheritance mode, an automated score was calculated to assess if this variant is too frequent to cause the disease. Based on the score and internal cut-off values, a variant classified as likely benign is not then subjected to further curation. The score for this variant resulted in a classification of likely benign for this disease.

Illumina Laboratory Services, Illumina
Classification: Likely benign for Rabson-Mendenhall syndrome. Last evaluated: 2018-01-13. Review status: criteria provided, single submitter. Criteria: ICSL Variant Classification Criteria 13 December 2019. Collection method: clinical testing. Allele origin: germline.
Comment: the same text as in the submission from Illumina Laboratory Services, Illumina above.

Illumina Laboratory Services, Illumina
Classification: Likely benign for Leprechaunism syndrome. Last evaluated: 2018-01-13. Review status: criteria provided, single submitter. Criteria: ICSL Variant Classification Criteria 13 December 2019. Collection method: clinical testing. Allele origin: germline.
Comment: the same text as in the submission from Illumina Laboratory Services, Illumina above.

NM_000208.4(INSR):c.*1171C>T

Gene: INSR (insulin receptor; minus strand). Cytogenetic location: 19p13.2.
Variant type: single nucleotide variant.
Coding change: c.*1171C>T on transcript NM_000208.4 (MANE Select); 1171 bases downstream of the stop codon, C replaced by T.
Molecular consequence: 3 prime UTR variant.
Genome position (GRCh38, 1-based): chr19:7,115,885, G>A on the plus strand (C>T on the coding strand, the complement: INSR is on the minus strand). VCF-style: chr19-7115885-G-A. GRCh37 (hg19) VCF-style: chr19-7115896-G-A.
Other names: c.*1171C>T (NM_001079817.3).
Identifiers: ClinVar variation 330409 (VCV000330409.5), dbSNP rs188386673, ClinGen allele CA10643396.